The following is an entry in ClinVar:

ClinVar aggregate classification (germline): Benign. Review status: criteria provided, multiple submitters, no conflicts (2 of 4 stars). 7 submissions from 7 submitters: Benign (7). Last evaluated 2026-02-04.

Conditions:
Melanoma, cutaneous malignant, susceptibility to, 5. Also called: Cutaneous malignant melanoma 5. Identifiers: Orphanet 618, MedGen C2751295, MONDO:0013133, OMIM 613099.

Allele frequency attached by ClinVar (database versions not stated): gnomAD exomes 0.12564 and 0.14291; ExAC 0.15019; gnomAD 0.20746 and 0.20949; ESP Exome Variant Server 0.20810; TOPMed 0.21468; 1000 Genomes Project 0.25899; 1000 Genomes Project 30x 0.26312.

Submissions (7):

Labcorp Genetics (formerly Invitae), Labcorp
Classification: Benign for Melanoma, cutaneous malignant, susceptibility to, 5. Last evaluated: 2026-02-04. Review status: criteria provided, single submitter. Criteria: Invitae Variant Classification Sherloc (09022015). Collection method: clinical testing. Allele origin: germline.

Blueprint Genetics
Classification: Benign. Last evaluated: 2024-11-27. Review status: criteria provided, single submitter. Criteria: ACMG Guidelines, 2015. Collection method: clinical testing. Allele origin: germline.

Mayo Clinic Laboratories, Mayo Clinic
Classification: Benign. Last evaluated: 2022-03-03. Review status: criteria provided, single submitter. Criteria: ACMG Guidelines, 2015. Collection method: clinical testing. Allele origin: germline. Observed: 71 variant alleles.

GeneDx
Classification: Benign. Last evaluated: 2018-06-22. Review status: criteria provided, single submitter. Criteria: GeneDx Variant Classification Process June 2021. Collection method: clinical testing. Allele origin: germline. Affected: yes.

Illumina Laboratory Services, Illumina
Classification: Benign for Melanoma, cutaneous malignant, susceptibility to, 5. Last evaluated: 2018-01-13. Review status: criteria provided, single submitter. Criteria: ICSL Variant Classification Criteria 13 December 2019. Collection method: clinical testing. Allele origin: germline.
Comment: This variant was observed in the ICSL laboratory as part of a predisposition screen in an ostensibly healthy population. It had not been previously curated by ICSL or reported in the Human Gene Mutation Database (HGMD: prior to June 1st, 2018), and was therefore a candidate for classification through an automated scoring system. Utilizing variant allele frequency, disease prevalence and penetrance estimates, and inheritance mode, an automated score was calculated to assess if this variant is too frequent to cause the disease. Based on the score and internal cut-off values, a variant classified as benign is not then subjected to further curation. The score for this variant resulted in a classification of benign for this disease.

Breakthrough Genomics
Classification: Benign. Review status: criteria provided, single submitter. Criteria: ACMG Guidelines, 2015. Collection method: not provided. Allele origin: germline. Inheritance: Autosomal recessive inheritance. Affected: yes.

PreventionGenetics, part of Exact Sciences
Classification: Benign. Review status: criteria provided, single submitter. Criteria: ACMG Guidelines, 2015. Collection method: clinical testing. Allele origin: germline.

NM_002386.4(MC1R):c.942A>G (p.Thr314=)

Gene: MC1R (melanocortin 1 receptor; plus strand). Cytogenetic location: 16q24.3.
Variant type: single nucleotide variant.
Coding change: c.942A>G on transcript NM_002386.4 (MANE Select); coding-DNA position 942, A replaced by G.
Protein change: p.Thr314=; no amino-acid change (threonine 314 retained).
Molecular consequence: synonymous variant.
Genome position (GRCh38, 1-based): chr16:89,920,200, A>G. VCF-style: chr16-89920200-A-G. GRCh37 (hg19) VCF-style: chr16-89986608-A-G.
Other names: p.Thr314=.
Identifiers: ClinVar variation 258655 (VCV000258655.20), dbSNP rs2228478, ClinGen allele CA8255820.